The following is an entry in ClinVar:

ClinVar aggregate classification (germline): Uncertain significance. Review status: criteria provided, multiple submitters, no conflicts (2 of 4 stars). 3 submissions from 3 submitters: Uncertain significance (3). Last evaluated 2026-05-18.

Conditions:
Dilated cardiomyopathy 1G (CMD1G). Identifiers: Orphanet 154, MedGen C1858763, MONDO:0011400, OMIM 604145.
Autosomal recessive limb-girdle muscular dystrophy type 2J (LGMDR10). Also called: Limb-girdle muscular dystrophy, type 2J; MUSCULAR DYSTROPHY, LIMB-GIRDLE, AUTOSOMAL RECESSIVE 10. Identifiers: Orphanet 140922, MedGen C1837342, MONDO:0012127, OMIM 608807.

Allele frequency attached by ClinVar (database versions not stated): TOPMed below 0.00001; gnomAD exomes 0.00001; gnomAD 0.00001.
gnomAD v4.1: 49 of 1,613,822 alleles (0.003%); highest among the groups gnomAD compares: Non-Finnish European, 0.0042%; no homozygotes.

Submissions (3):

Women's Health and Genetics/Laboratory Corporation of America, LabCorp
Classification: Uncertain significance. Last evaluated: 2026-05-18. Review status: criteria provided, single submitter. Criteria: LabCorp Variant Classification Summary - May 2015. Collection method: clinical testing. Allele origin: germline.

Labcorp Genetics (formerly Invitae), Labcorp
Classification: Uncertain significance for Dilated cardiomyopathy 1G; Autosomal recessive limb-girdle muscular dystrophy type 2J. Last evaluated: 2024-03-22. Review status: criteria provided, single submitter. Criteria: Invitae Variant Classification Sherloc (09022015). Collection method: clinical testing. Allele origin: germline.
Comment: This sequence change replaces glycine, which is neutral and non-polar, with arginine, which is basic and polar, at codon 34582 of the TTN protein (p.Gly34582Arg). This variant is present in population databases (no rsID available, gnomAD 0.002%). This variant has not been reported in the literature in individuals affected with TTN-related conditions. ClinVar contains an entry for this variant (Variation ID: 593232). Experimental studies and prediction algorithms are not available or were not evaluated, and the functional significance of this variant is currently unknown. This variant is located in the M band of TTN (PMID: 25589632). Non-truncating variants in this region may be relevant for neuromuscular disorders, but have not been definitively shown to cause cardiomyopathy (PMID: 23975875). In summary, the available evidence is currently insufficient to determine the role of this variant in disease. Therefore, it has been classified as a Variant of Uncertain Significance.

Eurofins Ntd Llc (ga)
Classification: Uncertain significance. Last evaluated: 2017-07-17. Review status: criteria provided, single submitter. Criteria: EGL Classification Definitions 2015. Collection method: clinical testing. Allele origin: germline. Observed: 1 variant allele, 1 heterozygote.

Literature cited by the submitters: PubMed 25589632 (cited by Labcorp Genetics (formerly Invitae), Labcorp); PubMed 23975875 (cited by Labcorp Genetics (formerly Invitae), Labcorp).

NM_001267550.2(TTN):c.103744G>C (p.Gly34582Arg)

Genes: TTN (titin; minus strand), TTN-AS1 (TTN antisense RNA 1; plus strand). Cytogenetic location: 2q31.2.
Variant type: single nucleotide variant.
Coding change: c.103744G>C on transcript NM_001267550.2 (MANE Select); coding-DNA position 103744, G replaced by C.
Protein change: p.Gly34582Arg; replaces glycine 34582 with arginine.
Molecular consequence: missense variant.
Genome position (GRCh38, 1-based): chr2:178,532,871, C>G on the plus strand (G>C on the coding strand, the complement: TTN is on the minus strand). VCF-style: chr2-178532871-C-G. GRCh37 (hg19) VCF-style: chr2-179397598-C-G.
Other names: c.98821G>C, p.Gly32941Arg (NM_001256850.1); c.76549G>C, p.Gly25517Arg (NM_003319.4); c.96040G>C, p.Gly32014Arg (NM_133378.4); c.76924G>C, p.Gly25642Arg (NM_133432.3); c.77125G>C, p.Gly25709Arg (NM_133437.4); short protein forms G32014R, G34582R, G25517R, G25642R, G32941R, G25709R.
Identifiers: ClinVar variation 593232 (VCV000593232.14), dbSNP rs1458830929, ClinGen allele CA349413598.